The following is an entry in ClinVar:

ClinVar aggregate classification (germline): Uncertain significance. Review status: criteria provided, multiple submitters, no conflicts (2 of 4 stars). 2 submissions from 2 submitters: Uncertain significance (2). Last evaluated 2021-02-07.

Conditions:
Rhabdoid tumor predisposition syndrome 2 (RTPS2). Identifiers: Orphanet 231108, Orphanet 69077, MedGen C2750074, MONDO:0013224, OMIM 613325.
Hereditary cancer-predisposing syndrome. Also called: Hereditary neoplastic syndrome; Neoplastic Syndromes, Hereditary; Tumor predisposition; Hereditary Cancer Syndrome. Identifiers: Orphanet 140162, MedGen C0027672, MeSH D009386, MONDO:0015356.

Submissions (2):

Ambry Genetics
Classification: Uncertain significance for Hereditary cancer-predisposing syndrome. Last evaluated: 2021-02-07. Review status: criteria provided, single submitter. Criteria: Ambry Variant Classification Scheme 2023. Collection method: clinical testing. Allele origin: germline.
Comment: The p.D87H variant (also known as c.259G>C), located in coding exon 2 of the SMARCA4 gene, results from a G to C substitution at nucleotide position 259. The aspartic acid at codon 87 is replaced by histidine, an amino acid with similar properties. This amino acid position is highly conserved in available vertebrate species. In addition, the in silico prediction for this alteration is inconclusive. Missense and in-frame variants in SMARCA4 are known to cause neurodevelopmental disorders; however, such associations with rhabdoid tumor predisposition syndrome including small cell carcinoma of the ovary-hypercalcemic type (SCCOHT) are exceedingly rare (Kosho T et al. Am J Med Genet C Semin Med Genet. 2014 Sep;166C(3):262-75; Jelinic P et al. Nat Genet. 2014 May;46(5):424-6). Based on the supporting evidence, the association of this alteration with Coffin-Siris syndrome is unknown; however, the association of this alteration with rhabdoid tumor predisposition syndrome is unlikely.

Labcorp Genetics (formerly Invitae), Labcorp
Classification: Uncertain significance for Rhabdoid tumor predisposition syndrome 2. Last evaluated: 2018-10-13. Review status: criteria provided, single submitter. Criteria: Invitae Variant Classification Sherloc (09022015). Collection method: clinical testing. Allele origin: germline.
Comment: In summary, the available evidence is currently insufficient to determine the role of this variant in disease. Therefore, it has been classified as a Variant of Uncertain Significance. Algorithms developed to predict the effect of missense changes on protein structure and function do not agree on the potential impact of this missense change (SIFT: "Deleterious"; PolyPhen-2: "Probably Damaging"; Align-GVGD: "Class C0"). This variant has not been reported in the literature in individuals with SMARCA4-related disease. ClinVar contains an entry for this variant (Variation ID: 470313). This variant is not present in population databases (ExAC no frequency). This sequence change replaces aspartic acid with histidine at codon 87 of the SMARCA4 protein (p.Asp87His). The aspartic acid residue is highly conserved and there is a moderate physicochemical difference between aspartic acid and histidine.

NM_003072.5(SMARCA4):c.259G>C (p.Asp87His)

Gene: SMARCA4 (SWI/SNF related BAF chromatin remodeling complex subunit ATPase 4; plus strand). Cytogenetic location: 19p13.2.
Variant type: single nucleotide variant.
Coding change: c.259G>C on transcript NM_003072.5 (MANE Select); coding-DNA position 259, G replaced by C.
Protein change: p.Asp87His; replaces aspartic acid 87 with histidine.
Molecular consequence: missense variant. On other transcripts: non-coding transcript variant (1).
Genome position (GRCh38, 1-based): chr19:10,985,309, G>C. VCF-style: chr19-10985309-G-C. GRCh37 (hg19) VCF-style: chr19-11095985-G-C.
Other names: c.259G>C, p.Asp87His (NM_001128844.3, NM_001128845.2, NM_001128849.3 and 5 more transcripts); short protein forms D87H.
Identifiers: ClinVar variation 470313 (VCV000470313.12), dbSNP rs1366085446, ClinGen allele CA404055155.
Genomic context (GRCh38, chr19:10,985,309, plus strand): 5'-GCCTTGCCATGGTCCCTCTCGCAGCCCATGGAGTCCATGCATGAGAAGGGCATGTCGGAC[G>C]ACCCGCGCTACAACCAGATGAAAGGAATGGGGATGCGGTCAGGGGGCCATGCTGGGATGG-3'
Protein context (NP_003063.2, residues 77-97): ESMHEKGMSD[Asp87His]PRYNQMKGMG